The following is an entry in ClinVar:

ClinVar aggregate classification (germline): Pathogenic (1 of 4 stars; one submission).

Allele frequency attached by ClinVar (database versions not stated): gnomAD exomes below 0.00001.
gnomAD v4.1: 1 of 1,614,182 alleles (0.000062%); highest among the groups gnomAD compares: Non-Finnish European, 0.000085%; no homozygotes.

Submission:

GeneDx
Classification: Pathogenic. Last evaluated: 2022-10-05. Review status: criteria provided, single submitter. Criteria: GeneDx Variant Classification Process June 2021. Collection method: clinical testing. Allele origin: germline. Affected: yes.
Comment: Observed with a second LEPR variant in a patient with extreme early-onset obesity in published literature, but it is not known whether the variants occurred on the same (in cis) or on different (in trans) chromosomes (Nunziata et al., 2019; Zorn et al., 2020); Nonsense variant predicted to result in protein truncation or nonsense mediated decay in a gene for which loss of function is a known mechanism of disease; Not observed at significant frequency in large population cohorts (gnomAD); This variant is associated with the following publications: (PMID: 33922961, 31658438, 30560226, 33140236)

NM_002303.6(LEPR):c.1874G>A (p.Trp625Ter)

Gene: LEPR (leptin receptor; plus strand). Cytogenetic location: 1p31.3.
Variant type: single nucleotide variant.
Coding change: c.1874G>A on transcript NM_002303.6 (MANE Select); coding-DNA position 1874, G replaced by A.
Protein change: p.Trp625Ter; replaces tryptophan 625 with a stop codon.
Molecular consequence: nonsense.
Genome position (GRCh38, 1-based): chr1:65,610,068, G>A. VCF-style: chr1-65610068-G-A. GRCh37 (hg19) VCF-style: chr1-66075751-G-A.
Other names: c.1874G>A, p.Trp625Ter (NM_001003679.3, NM_001003680.3, NM_001198687.2 and 2 more transcripts); short protein forms W625*.
Identifiers: ClinVar variation 2498024 (VCV002498024.1), dbSNP rs2526767220, ClinGen allele CA340674610.